The following is an entry in ClinVar:

ClinVar aggregate classification (germline): Uncertain significance (1 of 4 stars; one submission).

Allele frequency attached by ClinVar (database versions not stated): gnomAD 0.00001; gnomAD exomes 0.00001; TOPMed 0.00001; ESP Exome Variant Server 0.00008.
gnomAD v4.1: 10 of 1,613,252 alleles (0.00062%); highest among the groups gnomAD compares: African/African-American, 0.0013%; no homozygotes.

Submission:

Labcorp Genetics (formerly Invitae), Labcorp
Classification: Uncertain significance. Last evaluated: 2022-03-02. Review status: criteria provided, single submitter. Criteria: Invitae Variant Classification Sherloc (09022015). Collection method: clinical testing. Allele origin: germline.
Comment: This variant is present in population databases (rs368681170, gnomAD 0.007%). This variant has not been reported in the literature in individuals affected with VPS13A-related conditions. Algorithms developed to predict the effect of missense changes on protein structure and function output the following: SIFT: "Tolerated"; PolyPhen-2: "Benign"; Align-GVGD: "Class C0". The valine amino acid residue is found in multiple mammalian species, which suggests that this missense change does not adversely affect protein function. In summary, the available evidence is currently insufficient to determine the role of this variant in disease. Therefore, it has been classified as a Variant of Uncertain Significance. This sequence change replaces isoleucine, which is neutral and non-polar, with valine, which is neutral and non-polar, at codon 1920 of the VPS13A protein (p.Ile1920Val).

NM_033305.3(VPS13A):c.5758A>G (p.Ile1920Val)

Gene: VPS13A (vacuolar protein sorting 13 homolog A; plus strand). Cytogenetic location: 9q21.2.
Variant type: single nucleotide variant.
Coding change: c.5758A>G on transcript NM_033305.3 (MANE Select); coding-DNA position 5758, A replaced by G.
Protein change: p.Ile1920Val; replaces isoleucine 1920 with valine.
Molecular consequence: missense variant.
Genome position (GRCh38, 1-based): chr9:77,321,674, A>G. VCF-style: chr9-77321674-A-G. GRCh37 (hg19) VCF-style: chr9-79936590-A-G.
Other names: c.5641A>G, p.Ile1881Val (NM_001018037.2); c.5758A>G, p.Ile1920Val (NM_001018038.3, NM_015186.4); short protein forms I1881V, I1920V.
Identifiers: ClinVar variation 1902388 (VCV001902388.5), dbSNP rs368681170, ClinGen allele CA194399510.
Genomic context (GRCh38, chr9:77,321,674, plus strand): 5'-AACATTCCTATGGCAAAATCATATGTATTGAAAAATGGAGAAAGTTTAAGTATGGATTAT[A>G]TCCGAACCAAGGACAATGATCATTTCAATGCAATGACCAGCCTAAGCAGCAAACTCTTCT-3'
Protein context (NP_150648.2, residues 1910-1930): KNGESLSMDY[Ile1920Val]RTKDNDHFNA